The following is an entry in ClinVar:

NM_017780.4(CHD7):c.6992A>G (p.Lys2331Arg)

Gene: CHD7 (chromodomain helicase DNA binding protein 7; plus strand). Cytogenetic location: 8q12.2.
Variant type: single nucleotide variant.
Coding change: c.6992A>G on transcript NM_017780.4 (MANE Select); coding-DNA position 6992, A replaced by G.
Protein change: p.Lys2331Arg; replaces lysine 2331 with arginine.
Molecular consequence: missense variant. On other transcripts: intron variant (1).
Genome position (GRCh38, 1-based): chr8:60,856,030, A>G. VCF-style: chr8-60856030-A-G. GRCh37 (hg19) VCF-style: chr8-61768589-A-G.
Other names: c.1717-6199A>G (NM_001316690.1); short protein forms K2331R.
Identifiers: ClinVar variation 3017350 (VCV003017350.3), dbSNP rs747050794, ClinGen allele CA4760718.

ClinVar aggregate classification (germline): Uncertain significance (1 of 4 stars; one submission).

Conditions:
CHARGE syndrome (CHARGE). Also called: Hittner Hirsch Kreh syndrome; CHARGE ASSOCIATION--COLOBOMA, HEART ANOMALY, CHOANAL ATRESIA, RETARDATION, GENITAL AND EAR ANOMALIES; Coloboma, heart anomaly, choanal atresia, retardation, genital and ear anomalies; CHARGE association; Hall-Hittner syndrome. Identifiers: Orphanet 138, MedGen C0265354, MONDO:0008965.

Allele frequency attached by ClinVar (database versions not stated): gnomAD 0.00001; TOPMed 0.00001.
gnomAD v4.1: 33 of 1,611,542 alleles (0.002%); highest among the groups gnomAD compares: Non-Finnish European, 0.0025%; no homozygotes.

Submission:

Labcorp Genetics (formerly Invitae), Labcorp
Classification: Uncertain significance for CHARGE syndrome. Last evaluated: 2024-10-03. Review status: criteria provided, single submitter. Criteria: Invitae Variant Classification Sherloc (09022015). Collection method: clinical testing. Allele origin: germline.
Comment: This sequence change replaces lysine, which is basic and polar, with arginine, which is basic and polar, at codon 2331 of the CHD7 protein (p.Lys2331Arg). This variant is present in population databases (rs747050794, gnomAD 0.005%). This variant has not been reported in the literature in individuals affected with CHD7-related conditions. Invitae Evidence Modeling of protein sequence and biophysical properties (such as structural, functional, and spatial information, amino acid conservation, physicochemical variation, residue mobility, and thermodynamic stability) has been performed for this missense variant. However, the output from this modeling did not meet the statistical confidence thresholds required to predict the impact of this variant on CHD7 protein function. In summary, the available evidence is currently insufficient to determine the role of this variant in disease. Therefore, it has been classified as a Variant of Uncertain Significance.